The following is an entry in ClinVar:

NM_001105206.3(LAMA4):c.3100C>T (p.Pro1034Ser)

Gene: LAMA4 (laminin subunit alpha 4; minus strand). Cytogenetic location: 6q21.
Variant type: single nucleotide variant.
Coding change: c.3100C>T on transcript NM_001105206.3 (MANE Select); coding-DNA position 3100, C replaced by T.
Protein change: p.Pro1034Ser; replaces proline 1034 with serine.
Molecular consequence: missense variant.
Genome position (GRCh38, 1-based): chr6:112,139,762, G>A on the plus strand (C>T on the coding strand, the complement: LAMA4 is on the minus strand). VCF-style: chr6-112139762-G-A. GRCh37 (hg19) VCF-style: chr6-112460964-G-A.
Other names: c.3079C>T, p.Pro1027Ser (NM_001105207.3, NM_002290.5); short protein forms P1027S, P1034S.
Identifiers: ClinVar variation 4686137 (VCV004686137.1).

ClinVar aggregate classification (germline): Uncertain significance (1 of 4 stars; one submission).

Submission:

GeneDx
Classification: Uncertain significance. Last evaluated: 2025-07-19. Review status: criteria provided, single submitter. Criteria: GeneDx Variant Classification Process June 2021. Collection method: clinical testing. Allele origin: germline. Affected: yes.
Comment: Not observed at significant frequency in large population cohorts (gnomAD); In silico analysis supports that this missense variant has a deleterious effect on protein structure/function; Has not been previously published as pathogenic or benign to our knowledge; This variant is associated with the following publications: (PMID: 27535533)